The following is an entry in ClinVar:

ClinVar aggregate classification (germline): Pathogenic (1 of 4 stars; one submission).

Conditions:
Osteogenesis imperfecta with normal sclerae, dominant form (OI4). Also called: Common Variable Osteogenesis Imperfecta with Normal Sclerae; OSTEOGENESIS IMPERFECTA, TYPE IV, WITH DENTINOGENESIS IMPERFECTA; Osteogenesis Imperfecta Type IV; OSTEOGENESIS IMPERFECTA WITH NORMAL SCLERAE; Osteogenesis imperfecta type 4. Identifiers: Orphanet 216820, Orphanet 666, MedGen C0268363, MONDO:0008148, OMIM 166220.

Submission:

Clinical Biomedical Laboratory, Shriners Hospital For Children - Canada
Classification: Pathogenic for Osteogenesis imperfecta with normal sclerae, dominant form. Last evaluated: 2025-07-16. Review status: criteria provided, single submitter. Criteria: ACMG Guidelines, 2015. Collection method: clinical testing. Allele origin: germline. Affected: yes.
Comment: This variant is predicted to substitute a glycine residue by a tryptophan residue in the alpha 2 chain of collagen type I. Glycine substitutions in the triple helical domain of collagen type I cause disruption in the formation of the triple helix in the collagen molecule and are a typical cause of osteogenesis imperfecta. This variant is absent from the Genome Aggregation Database v.2.1.1, indicating it is very rare. Predication tools: (REVEL: 0.97) suggest that the change is detrimental to protein function.

NM_000089.4(COL1A2):c.2089G>T (p.Gly697Trp)

Gene: COL1A2 (collagen type I alpha 2 chain; plus strand). Cytogenetic location: 7q21.3.
Variant type: single nucleotide variant.
Coding change: c.2089G>T on transcript NM_000089.4 (MANE Select); coding-DNA position 2089, G replaced by T.
Protein change: p.Gly697Trp; replaces glycine 697 with tryptophan.
Molecular consequence: missense variant.
Genome position (GRCh38, 1-based): chr7:94,420,242, G>T. VCF-style: chr7-94420242-G-T. GRCh37 (hg19) VCF-style: chr7-94049554-G-T.
Other names: short protein forms G697W.
Identifiers: ClinVar variation 4075347 (VCV004075347.1).
Genomic context (GRCh38, chr7:94,420,242, plus strand): 5'-TGAGCATCTATGTCAGGCACATTAACAGATTCATCTTTGGTCCCATTATAGGGCGAAGCT[G>T]GGGCTGCTGGTCCTGCTGGTCCTGCTGGTCCTCGGGGAAGCCCTGTAAGTAAGAACCTGG-3'
Protein context (NP_000080.2, residues 687-707): AGATGDRGEA[Gly697Trp]AAGPAGPAGP